The following is an entry in ClinVar:

ClinVar aggregate classification (germline): Uncertain significance. Review status: criteria provided, multiple submitters, no conflicts (2 of 4 stars). 7 submissions from 7 submitters: Uncertain significance (4). 3 of the submissions do not count toward it. Last evaluated 2024-09-04.

Conditions:
Joubert syndrome. Also called: Familial aplasia of the vermis; JOUBERT-BOLTSHAUSER SYNDROME. Identifiers: Orphanet 475, MedGen C5979921, MONDO:0018772.
Joubert syndrome 3 (JBTS3). Also called: AHI1-related Ciliopathy. Identifiers: Orphanet 220493, MedGen C1837713, MONDO:0012078, OMIM 608629.

Allele frequency attached by ClinVar (database versions not stated): gnomAD 0.00003; gnomAD exomes 0.00005 and 0.00006; ExAC 0.00006; TOPMed 0.00006; 1000 Genomes Project 30x 0.00016; 1000 Genomes Project 0.00020.
gnomAD v4.1: 77 of 1,610,226 alleles (0.0048%); highest among the groups gnomAD compares: Middle Eastern, 0.1%; no homozygotes.

Submissions (7):

Blueprint Genetics
Classification: Uncertain significance. Last evaluated: 2024-09-04. Review status: criteria provided, single submitter. Criteria: ACMG Guidelines, 2015. Collection method: clinical testing. Allele origin: germline.

Fulgent Genetics
Classification: Uncertain significance for Joubert syndrome 3. Last evaluated: 2024-04-20. Review status: criteria provided, single submitter. Criteria: ACMG Guidelines, 2015. Collection method: clinical testing. Allele origin: germline.

Labcorp Genetics (formerly Invitae), Labcorp
Classification: Uncertain significance for Joubert syndrome. Last evaluated: 2022-08-09. Review status: criteria provided, single submitter. Criteria: Invitae Variant Classification Sherloc (09022015). Collection method: clinical testing. Allele origin: germline.
Comment: This sequence change replaces lysine, which is basic and polar, with arginine, which is basic and polar, at codon 887 of the AHI1 protein (p.Lys887Arg). This variant is present in population databases (rs200355875, gnomAD 0.02%). This variant has not been reported in the literature in individuals affected with AHI1-related conditions. ClinVar contains an entry for this variant (Variation ID: 906338). Advanced modeling of protein sequence and biophysical properties (such as structural, functional, and spatial information, amino acid conservation, physicochemical variation, residue mobility, and thermodynamic stability) performed at Invitae indicates that this missense variant is not expected to disrupt AHI1 protein function. Algorithms developed to predict the effect of sequence changes on RNA splicing suggest that this variant may create or strengthen a splice site. In summary, the available evidence is currently insufficient to determine the role of this variant in disease. Therefore, it has been classified as a Variant of Uncertain Significance.

Illumina Laboratory Services, Illumina
Classification: Uncertain significance for Joubert syndrome 3. Last evaluated: 2017-04-27. Review status: criteria provided, single submitter. Criteria: ICSL Variant Classification Criteria 13 December 2019. Collection method: clinical testing. Allele origin: germline.

Clinical Genetics DNA and cytogenetics Diagnostics Lab, Erasmus MC, Erasmus Medical Center
Classification: Uncertain significance. Review status: no assertion criteria provided. Collection method: clinical testing. Allele origin: germline. Affected: yes. Study: VKGL Data-share Consensus. Not counted in ClinVar's aggregate classification.

Joint Genome Diagnostic Labs from Nijmegen and Maastricht, Radboudumc and MUMC+
Classification: Uncertain significance. Review status: no assertion criteria provided. Collection method: clinical testing. Allele origin: germline. Affected: yes. Study: VKGL Data-share Consensus. Not counted in ClinVar's aggregate classification.

Laboratory of Diagnostic Genome Analysis, Leiden University Medical Center (LUMC)
Classification: Uncertain significance. Review status: no assertion criteria provided. Collection method: clinical testing. Allele origin: germline. Affected: yes. Study: VKGL Data-share Consensus. Not counted in ClinVar's aggregate classification.

NM_001134831.2(AHI1):c.2660A>G (p.Lys887Arg)

Gene: AHI1 (Abelson helper integration site 1; minus strand). Cytogenetic location: 6q23.3.
Variant type: single nucleotide variant.
Coding change: c.2660A>G on transcript NM_001134831.2 (MANE Select); coding-DNA position 2660, A replaced by G.
Protein change: p.Lys887Arg; replaces lysine 887 with arginine.
Molecular consequence: missense variant.
Genome position (GRCh38, 1-based): chr6:135,427,271, T>C on the plus strand (A>G on the coding strand, the complement: AHI1 is on the minus strand). VCF-style: chr6-135427271-T-C. GRCh37 (hg19) VCF-style: chr6-135748409-T-C.
Other names: c.2660A>G, p.Lys887Arg (NM_001134830.2, NM_001134832.2, NM_001350503.2 and 2 more transcripts); short protein forms K887R.
Identifiers: ClinVar variation 906338 (VCV000906338.15), dbSNP rs200355875, ClinGen allele CA4012303.